The following is an entry in ClinVar:

ClinVar aggregate classification (germline): Likely pathogenic (1 of 4 stars; one submission).

Conditions:
TTC21B-related disorder. Also called: TTC21B-related condition; TTC21B-related disorders.

Submission:

PreventionGenetics, part of Exact Sciences
Classification: Likely pathogenic for TTC21B-related condition. Last evaluated: 2025-10-08. Review status: criteria provided, single submitter. Criteria: ACMG Guidelines, 2015. Collection method: clinical testing. Allele origin: germline.
Comment: The TTC21B c.2308_2314del7 variant is predicted to result in a frameshift and premature protein termination (p.His770Thrfs*12). To our knowledge, this variant has not been reported in the literature or in a large population database (gnomAD), indicating this variant is rare. Frameshift variants in TTC21B are expected to be pathogenic. This variant is interpreted as likely pathogenic.

NM_024753.5(TTC21B):c.2308_2314del (p.His770fs)

Gene: TTC21B (tetratricopeptide repeat domain 21B; minus strand). Cytogenetic location: 2q24.3.
Variant type: Deletion.
Coding change: c.2308_2314del on transcript NM_024753.5 (MANE Select); coding-DNA positions 2308 to 2314, 7 bases deleted (CATAACT; older notation c.2308_2314delCATAACT).
Protein change: p.His770fs; shifts the reading frame from histidine 770.
Molecular consequence: frameshift variant.
Genome position (GRCh38, 1-based): chr2:165,912,522-165,912,528, AGTTATG deleted on the plus strand (CATAACT on the coding strand, the reverse complement: TTC21B is on the minus strand); deleting any 7 consecutive bases within chr2:165,912,522-165,912,532 gives the same sequence; the c. name uses the placement nearest the transcript's 3' end. VCF-style (leftmost placement, unchanged base first): chr2-165912521-TAGTTATG-T. GRCh37 (hg19) VCF-style: chr2-166769031-TAGTTATG-T.
Other names: short protein forms H770fs.
Identifiers: ClinVar variation 4993619 (VCV004993619.1).